The following is an entry in ClinVar:

NM_006343.3(MERTK):c.961-6G>A

Genes: MERTK (MER proto-oncogene, tyrosine kinase; plus strand), LOC112806037 (Sharpr-MPRA regulatory region 3720; plus strand). Cytogenetic location: 2q13.
Variant type: single nucleotide variant.
Coding change: c.961-6G>A on transcript NM_006343.3 (MANE Select); 6 bases into the intron before coding-DNA position 961, G replaced by A.
Molecular consequence: intron variant.
Genome position (GRCh38, 1-based): chr2:111,975,283, G>A. VCF-style: chr2-111975283-G-A. GRCh37 (hg19) VCF-style: chr2-112732860-G-A.
Other names: c.961-6G>A (NM_006343.2).
Identifiers: ClinVar variation 1910756 (VCV001910756.7), dbSNP rs371465555, ClinGen allele CA1831248.

ClinVar aggregate classification (germline): Likely benign. Review status: criteria provided, multiple submitters, no conflicts (2 of 4 stars). 3 submissions from 3 submitters: Likely benign (3). Last evaluated 2025-09-05.

Conditions:
MERTK-related disorder. Also called: MERTK-related condition.

Allele frequency attached by ClinVar (database versions not stated): gnomAD 0.00001; ExAC 0.00002; gnomAD exomes 0.00002; ESP Exome Variant Server 0.00008.
gnomAD v4.1: 36 of 1,613,988 alleles (0.0022%); highest among the groups gnomAD compares: South Asian, 0.0077%; no homozygotes.

Submissions (3):

PreventionGenetics, part of Exact Sciences
Classification: Likely benign for MERTK-related condition. Last evaluated: 2025-09-05. Review status: criteria provided, single submitter. Criteria: ACMG Guidelines, 2015. Collection method: clinical testing. Allele origin: germline.
Comment: This variant is classified as likely benign based on ACMG/AMP sequence variant interpretation guidelines (Richards et al. 2015 PMID: 25741868, with internal and published modifications).

Labcorp Genetics (formerly Invitae), Labcorp
Classification: Likely benign. Last evaluated: 2023-11-20. Review status: criteria provided, single submitter. Criteria: Invitae Variant Classification Sherloc (09022015). Collection method: clinical testing. Allele origin: germline.

Blueprint Genetics
Classification: Likely benign. Last evaluated: 2021-11-11. Review status: criteria provided, single submitter. Criteria: ACMG Guidelines, 2015. Collection method: clinical testing. Allele origin: germline.